The following is an entry in ClinVar:

ClinVar aggregate classification (germline): Pathogenic (1 of 4 stars; one submission).

Submission:

Labcorp Genetics (formerly Invitae), Labcorp
Classification: Pathogenic. Last evaluated: 2021-08-29. Review status: criteria provided, single submitter. Criteria: Invitae Variant Classification Sherloc (09022015). Collection method: clinical testing. Allele origin: germline.
Comment: This sequence change creates a premature translational stop signal (p.Gln154Argfs*22) in the NPHS1 gene. It is expected to result in an absent or disrupted protein product. Loss-of-function variants in NPHS1 are known to be pathogenic (PMID: 11317351, 11854170, 12039988). This variant is not present in population databases (ExAC no frequency). This variant has not been reported in the literature in individuals affected with NPHS1-related conditions. For these reasons, this variant has been classified as Pathogenic.

Literature cited by the submitters: PubMed 11317351; PubMed 11854170; PubMed 12039988.

NM_004646.4(NPHS1):c.459del (p.Gln154fs)

Gene: NPHS1 (NPHS1 adhesion molecule, nephrin; minus strand). Cytogenetic location: 19q13.12.
Variant type: Deletion.
Coding change: c.459del on transcript NM_004646.4 (MANE Select); coding-DNA position 459, one base deleted (G; older notation c.459delG).
Protein change: p.Gln154fs; shifts the reading frame from glutamine 154.
Molecular consequence: frameshift variant.
Genome position (GRCh38, 1-based): chr19:35,851,028, C deleted on the plus strand (G on the coding strand, the reverse complement: NPHS1 is on the minus strand); the first of 3 consecutive C bases (chr19:35,851,028-35,851,030); deleting any one gives the same sequence. VCF-style (leftmost placement, unchanged base first): chr19-35851027-GC-G. GRCh37 (hg19) VCF-style: chr19-36341929-GC-G.
Other names: short protein forms Q154fs.
Identifiers: ClinVar variation 1440426 (VCV001440426.6), dbSNP rs2146831183, ClinGen allele CA2573156268.